The following is an entry in ClinVar:

NM_182914.3(SYNE2):c.15779G>C (p.Ser5260Thr)

Gene: SYNE2 (spectrin repeat containing nuclear envelope protein 2; plus strand). Cytogenetic location: 14q23.2.
Variant type: single nucleotide variant.
Coding change: c.15779G>C on transcript NM_182914.3 (MANE Select); coding-DNA position 15779, G replaced by C.
Protein change: p.Ser5260Thr; replaces serine 5260 with threonine.
Molecular consequence: missense variant.
Genome position (GRCh38, 1-based): chr14:64,152,703, G>C. VCF-style: chr14-64152703-G-C. GRCh37 (hg19) VCF-style: chr14-64619421-G-C.
Other names: c.15779G>C, p.Ser5260Thr (NM_015180.6); short protein forms S5260T.
Identifiers: ClinVar variation 2436860 (VCV002436860.4), dbSNP rs2098253723, ClinGen allele CA389951995.

ClinVar aggregate classification (germline): Uncertain significance. Review status: criteria provided, multiple submitters, no conflicts (2 of 4 stars). 2 submissions from 2 submitters: Uncertain significance (2). Last evaluated 2025-03-31.

Conditions:
Emery-Dreifuss muscular dystrophy 5, autosomal dominant (EDMD5). Also called: EMERY-DREIFUSS MUSCULAR DYSTROPHY 5. Identifiers: Orphanet 261, MedGen C2751805, MONDO:0013072, OMIM 612999.

Allele frequency attached by ClinVar (database versions not stated): TOPMed below 0.00001.

Submissions (2):

Labcorp Genetics (formerly Invitae), Labcorp
Classification: Uncertain significance for Emery-Dreifuss muscular dystrophy 5, autosomal dominant. Last evaluated: 2025-03-31. Review status: criteria provided, single submitter. Criteria: Invitae Variant Classification Sherloc (09022015). Collection method: clinical testing. Allele origin: germline.
Comment: This sequence change replaces serine, which is neutral and polar, with threonine, which is neutral and polar, at codon 5260 of the SYNE2 protein (p.Ser5260Thr). This variant is not present in population databases (gnomAD no frequency). This variant has not been reported in the literature in individuals affected with SYNE2-related conditions. ClinVar contains an entry for this variant (Variation ID: 2436860). An algorithm developed to predict the effect of missense changes on protein structure and function (PolyPhen-2) suggests that this variant is likely to be tolerated. In summary, the available evidence is currently insufficient to determine the role of this variant in disease. Therefore, it has been classified as a Variant of Uncertain Significance.

Revvity Omics, Revvity
Classification: Uncertain significance for Emery-Dreifuss muscular dystrophy 5, autosomal dominant. Last evaluated: 2019-09-04. Review status: criteria provided, single submitter. Criteria: ACMG Guidelines, 2015. Collection method: clinical testing. Allele origin: germline.